The following is an entry in ClinVar:

NM_000277.3(PAH):c.442-2A>G

Gene: PAH (phenylalanine hydroxylase; minus strand). Cytogenetic location: 12q23.2.
Variant type: single nucleotide variant.
Coding change: c.442-2A>G on transcript NM_000277.3 (MANE Select); the canonical splice acceptor site of the intron before coding-DNA position 442, A replaced by G.
Molecular consequence: splice acceptor variant.
Genome position (GRCh38, 1-based): chr12:102,866,665, T>C on the plus strand (A>G on the coding strand, the complement: PAH is on the minus strand). VCF-style: chr12-102866665-T-C. GRCh37 (hg19) VCF-style: chr12-103260443-T-C.
Other names: NM_001354304.2:c.442-2A>G; c.442-2A>G (NM_001354304.2).
Identifiers: ClinVar variation 1810385 (VCV001810385.1), dbSNP rs281865448, ClinGen allele CA386299735.

ClinVar aggregate classification (germline): Pathogenic (3 of 4 stars; one submission).

Conditions:
Phenylketonuria (PKU). Also called: Phenylketonurias; OLIGOPHRENIA PHENYLPYRUVICA; FOLLING DISEASE; Phenylketonuria (PKU). Identifiers: Orphanet 716, MedGen C0031485, MONDO:0009861, OMIM 261600. Disease mechanism: loss of function.

Submission:

ClinGen PAH Variant Curation Expert Panel
Classification: Pathogenic for Phenylketonuria. Last evaluated: 2022-12-09. Review status: reviewed by expert panel. Criteria: ClinGen PAH ACMG Specifications v1. Collection method: curation. Allele origin: germline. Inheritance: Autosomal recessive inheritance.
Comment: This c.442-2A>G variant in PAH was detected in a patient with PKU with the pathogenic variant c.441+3G>C (PMID: 28982351). This variant was absent in population databases. This is a canonical variant in the -2 splice acceptor of intron 4. Exon skipping or use of a cryptic splice site would disrupt reading frame with nonsense mediated decay predicted. In summary, this variant meets criteria to be classified as pathogenic for PAH. PAH-specific ACMG/AMP criteria applied: PVS1, PM2, PM3, PP4.